The following is an entry in ClinVar:

ClinVar aggregate classification (germline): Uncertain significance (1 of 4 stars; one submission).

Submission:

Ambry Genetics
Classification: Uncertain significance. Last evaluated: 2026-07-14. Review status: criteria provided, single submitter. Criteria: Ambry Variant Classification Scheme 2023. Collection method: clinical testing. Allele origin: germline.
Comment: The p.D660Y variant (also known as c.1978G>T) is located in coding exon 20 of the KIF1B gene. The aspartic acid at codon 660 is replaced by tyrosine, an amino acid with highly dissimilar properties. This change occurs in the first base pair of coding exon 20. This amino acid position is conserved. In addition, the in silico prediction for this alteration is inconclusive. Based on the available evidence, the clinical significance of this variant remains unclear.

NM_001365951.3(KIF1B):c.2116G>T (p.Asp706Tyr)

Gene: KIF1B (kinesin family member 1B; plus strand). Cytogenetic location: 1p36.22.
Variant type: single nucleotide variant.
Coding change: c.2116G>T on transcript NM_001365951.3 (MANE Select); coding-DNA position 2116, G replaced by T.
Protein change: p.Asp706Tyr; replaces aspartic acid 706 with tyrosine.
Molecular consequence: missense variant.
Genome position (GRCh38, 1-based): chr1:10,320,043, G>T. VCF-style: chr1-10320043-G-T. GRCh37 (hg19) VCF-style: chr1-10380101-G-T.
Other names: c.2116G>T, p.Asp706Tyr (NM_001365952.1); c.1978G>T, p.Asp660Tyr (NM_015074.3); short protein forms D706Y, D660Y.
Identifiers: ClinVar variation 5023199 (VCV005023199.1).